The following is an entry in ClinVar:

ClinVar aggregate classification (germline): Benign. Review status: criteria provided, multiple submitters, no conflicts (2 of 4 stars). 3 submissions from 3 submitters: Benign (2). 1 of the submissions does not count toward it. Last evaluated 2018-06-18.

Conditions:
CBLB-related disorder. Also called: CBLB-related condition.

Allele frequency attached by ClinVar (database versions not stated): TOPMed 0.01492; gnomAD exomes 0.00327; gnomAD 0.01434 and 0.01327; 1000 Genomes Project 30x 0.01327; ExAC 0.00409; 1000 Genomes Project 0.01218; ESP Exome Variant Server 0.01469.
gnomAD v4.1: 4,074 of 1,614,074 alleles (0.25%); highest among the groups gnomAD compares: African/African-American, 4.7%; 81 homozygotes.

Submissions (3):

Labcorp Genetics (formerly Invitae), Labcorp
Classification: Benign. Last evaluated: 2018-06-18. Review status: criteria provided, single submitter. Criteria: Invitae Variant Classification Sherloc (09022015). Collection method: clinical testing. Allele origin: germline.

Breakthrough Genomics
Classification: Benign. Review status: criteria provided, single submitter. Criteria: ACMG Guidelines, 2015. Collection method: not provided. Allele origin: germline. Inheritance: Unknown mechanism. Affected: yes.

PreventionGenetics, part of Exact Sciences
Classification: Benign for CBLB-related condition. Last evaluated: 2019-06-11. Review status: no assertion criteria provided. Collection method: clinical testing. Allele origin: germline. Not counted in ClinVar's aggregate classification.
Comment: This variant is classified as benign based on ACMG/AMP sequence variant interpretation guidelines (Richards et al. 2015 PMID: 25741868, with internal and published modifications).

NM_170662.5(CBLB):c.1161T>C (p.Pro387=)

Gene: CBLB (Cbl proto-oncogene B; minus strand). Cytogenetic location: 3q13.11.
Variant type: single nucleotide variant.
Coding change: c.1161T>C on transcript NM_170662.5 (MANE Select); coding-DNA position 1161, T replaced by C.
Protein change: p.Pro387=; no amino-acid change (proline 387 retained).
Molecular consequence: synonymous variant. On other transcripts: 5 prime UTR variant (2), non-coding transcript variant (7).
Genome position (GRCh38, 1-based): chr3:105,734,051, A>G on the plus strand (T>C on the coding strand, the complement: CBLB is on the minus strand). VCF-style: chr3-105734051-A-G. GRCh37 (hg19) VCF-style: chr3-105452895-A-G.
Other names: c.1245T>C, p.Pro415= (NM_001321786.1, NM_001321789.1); c.1161T>C, p.Pro387= (NM_001321788.2, NM_001321791.2, NM_001321793.2 and 4 more transcripts); c.1227T>C, p.Pro409= (NM_001321790.2); c.1014T>C, p.Pro338= (NM_001321796.2, NM_001321799.2); c.381T>C, p.Pro127= (NM_001321806.2, NM_001321807.2, NM_001321808.2 and 3 more transcripts); c.-192T>C (NM_001321820.2); c.-219T>C (NM_001321822.2).
Identifiers: ClinVar variation 786016 (VCV000786016.6), dbSNP rs9657925, ClinGen allele CA2524849.